The following continues an entry in ClinVar:

NM_152443.3(RDH12):c.806_810del (p.Ala269fs)

ClinVar aggregate classification (germline): Pathogenic. Pathogenic (15).

Submissions 13 to 21 of 21:

Illumina Laboratory Services, Illumina
Classification: Pathogenic for RDH12-Related Disorders. Last evaluated: 2018-08-15. Review status: criteria provided, single submitter. Criteria: ICSL Variant Classification Criteria 09 May 2019. Collection method: clinical testing. Allele origin: germline.
Comment: The RDH12 c.806_810delCCCTG (p.Ala269GlyfsTer2) variant results in a frameshift and is predicted to result in premature truncation of the protein. Across a selection of the available literature, the p.Ala269GlyfsTer2 variant has been found in at least 18 individuals affected with retinal disorders, including in 12 in a compound heterozygous state, in five in a homozygous state and in one in a heterozygous state (Perrault et al. 2004; Thompson et al. 2005; Coppieters et al. 2010; Wang et al. 2013; Boulanger-Scemama et al. 2015; Ge et al. 2015). The p.Ala269GlyfsTer2 variant was absent from at least 699 controls (Perrault et al. 2004; Coppieters et al. 2010; Sun et al. 2007) and is reported at a frequency of 0.0003 in the European (non-Finnish) population of the Genome Aggregation Database. The functional effect of the variant was assayed by transfection in COS-7 cells, which led to undetectable levels of RDH12 expression, and a dramatic reduction in ability to produce all-trans-retinol from all-trans-retinal, as compared to wild type (Sun et al. 2007). Based on the collective evidence, the p.Ala269GlyfsTer2 variant is classified as pathogenic for RDH12-related disorders. This variant was observed by ICSL as part of a predisposition screen in an ostensibly healthy population.

CeGaT Center for Human Genetics Tuebingen
Classification: Pathogenic. Last evaluated: 2016-10-01. Review status: criteria provided, single submitter. Criteria: CeGaT Center For Human Genetics Tuebingen Variant Classification Criteria Version 2. Collection method: clinical testing. Allele origin: germline. Affected: yes. Observed: 1 variant allele.

Eurofins Ntd Llc (ga)
Classification: Pathogenic. Last evaluated: 2016-09-14. Review status: criteria provided, single submitter. Criteria: EGL Classification Definitions 2015. Collection method: clinical testing. Allele origin: germline. Observed: 3 variant alleles, 2 heterozygotes, 1 homozygote.

Joint Genome Diagnostic Labs from Nijmegen and Maastricht, Radboudumc and MUMC+
Classification: Pathogenic for Retinitis pigmentosa. Last evaluated: 2016-09-01. Review status: no assertion criteria provided. Collection method: clinical testing. Allele origin: unknown. Affected: yes. Observed: 1 variant allele. Not counted in ClinVar's aggregate classification.

NIHR Bioresource Rare Diseases, University of Cambridge
Classification: Pathogenic for Disorder of eye. Last evaluated: 2015-01-01. Review status: no assertion criteria provided. Collection method: research. Allele origin: unknown. Affected: yes. Observed: 1 variant allele. Not counted in ClinVar's aggregate classification.
Comment: Rare ocular disorder associated to additional undetermined phenotypes

NIHR Bioresource Rare Diseases, University of Cambridge
Classification: Pathogenic for Retinal dystrophy. Last evaluated: 2015-01-01. Review status: no assertion criteria provided. Collection method: research. Allele origin: unknown. Affected: yes. Observed: 1 variant allele. Not counted in ClinVar's aggregate classification.

OMIM
Classification: Pathogenic for LEBER CONGENITAL AMAUROSIS 13. Last evaluated: 2004-10-01. Review status: no assertion criteria provided. Collection method: literature only. Allele origin: germline. Not counted in ClinVar's aggregate classification.

GeneReviews
No classification provided. Condition: Leber congenital amaurosis 13. Review status: no classification provided. Collection method: literature only. Allele origin: unknown. Not counted in ClinVar's aggregate classification.

Laboratory of Genetics in Ophthalmology, Institut Imagine
Classification: Pathogenic for Leber congenital amaurosis 13. Review status: no assertion criteria provided. Collection method: research. Allele origin: inherited. Affected: yes. Observed: 5 variant alleles. Not counted in ClinVar's aggregate classification.

Literature cited by the submitters: PubMed 17389517 (cited by Labcorp Genetics (formerly Invitae), Labcorp and Ocular Genomics Institute, Massachusetts Eye and Ear); PubMed 22065924 (cited by Labcorp Genetics (formerly Invitae), Labcorp and Ocular Genomics Institute, Massachusetts Eye and Ear); PubMed 23847139 (cited by 4 submitters); PubMed 16269441 (cited by 3 submitters); PubMed 26047050 (cited by Labcorp Genetics (formerly Invitae), Labcorp and Ocular Genomics Institute, Massachusetts Eye and Ear); PubMed 26103963 (cited by 3 submitters); PubMed 28513254 (cited by Natera, Inc.); PubMed 17512964 (cited by 3 submitters); PubMed 30372751 (cited by Women's Health and Genetics/Laboratory Corporation of America, LabCorp); PubMed 15258582 (cited by 5 submitters); PubMed 28041643 (cited by Ocular Genomics Institute, Massachusetts Eye and Ear and NIHR Bioresource Rare Diseases, University of Cambridge); PubMed 26667666 (cited by Ocular Genomics Institute, Massachusetts Eye and Ear and Illumina Laboratory Services, Illumina); PubMed 20301475 (cited by Ocular Genomics Institute, Massachusetts Eye and Ear and GeneReviews); PubMed 20683928 (cited by Ocular Genomics Institute, Massachusetts Eye and Ear and Illumina Laboratory Services, Illumina); PubMed 15322982 (cited by 4 submitters); NCBI Bookshelf NBK1298 (cited by GeneReviews).